The following is an entry in ClinVar:

ClinVar aggregate classification (germline): Uncertain significance (1 of 4 stars; one submission).

gnomAD v4.1: 1 of 1,614,186 alleles (0.000062%); highest among the groups gnomAD compares: South Asian, 0.0011%; no homozygotes.

Submission:

Ambry Genetics
Classification: Uncertain significance. Last evaluated: 2026-04-19. Review status: criteria provided, single submitter. Criteria: Ambry Variant Classification Scheme 2023. Collection method: clinical testing. Allele origin: germline.
Comment: The p.I63M variant (also known as c.189A>G), located in coding exon 1 of the TET2 gene, results from an A to G substitution at nucleotide position 189. The isoleucine at codon 63 is replaced by methionine, an amino acid with highly similar properties. This amino acid position is conserved. In addition, this alteration is predicted to be tolerated by in silico analysis. Based on the available evidence, the clinical significance of this variant remains unclear.

NM_001127208.3(TET2):c.189A>G (p.Ile63Met)

Genes: TET2 (tet methylcytosine dioxygenase 2; plus strand), TET2-AS1 (TET2 antisense RNA 1; minus strand). Cytogenetic location: 4q24.
Variant type: single nucleotide variant.
Coding change: c.189A>G on transcript NM_001127208.3 (MANE Select); coding-DNA position 189, A replaced by G.
Protein change: p.Ile63Met; replaces isoleucine 63 with methionine.
Molecular consequence: missense variant.
Genome position (GRCh38, 1-based): chr4:105,234,131, A>G. VCF-style: chr4-105234131-A-G. GRCh37 (hg19) VCF-style: chr4-106155288-A-G.
Other names: c.189A>G, p.Ile63Met (NM_017628.4); short protein forms I63M.
Identifiers: ClinVar variation 4865544 (VCV004865544.1).